The following is an entry in ClinVar:

NM_002427.4(MMP13):c.343A>G (p.Lys115Glu)

Genes: MMP13 (matrix metallopeptidase 13; minus strand), LOC126861318 (BRD4-independent group 4 enhancer GRCh37_chr11:102825894-102827093; plus strand). Cytogenetic location: 11q22.2.
Variant type: single nucleotide variant.
Coding change: c.343A>G on transcript NM_002427.4 (MANE Select); coding-DNA position 343, A replaced by G.
Protein change: p.Lys115Glu; replaces lysine 115 with glutamic acid.
Molecular consequence: missense variant.
Genome position (GRCh38, 1-based): chr11:102,955,271, T>C on the plus strand (A>G on the coding strand, the complement: MMP13 is on the minus strand). VCF-style: chr11-102955271-T-C. GRCh37 (hg19) VCF-style: chr11-102826000-T-C.
Other names: short protein forms K115E.
Identifiers: ClinVar variation 2218400 (VCV002218400.4), dbSNP rs2496469703, ClinGen allele CA382232065.

ClinVar aggregate classification (germline): Uncertain significance. Review status: criteria provided, multiple submitters, no conflicts (2 of 4 stars). 2 submissions from 2 submitters: Uncertain significance (2). Last evaluated 2025-01-05.

Allele frequency attached by ClinVar (database versions not stated): gnomAD exomes below 0.00001.
gnomAD v4.1: 5 of 1,613,924 alleles (0.00031%); highest among the groups gnomAD compares: African/African-American, 0.0053%; no homozygotes.

Submissions (2):

Labcorp Genetics (formerly Invitae), Labcorp
Classification: Uncertain significance. Last evaluated: 2025-01-05. Review status: criteria provided, single submitter. Criteria: Invitae Variant Classification Sherloc (09022015). Collection method: clinical testing. Allele origin: germline.
Comment: This sequence change replaces lysine, which is basic and polar, with glutamic acid, which is acidic and polar, at codon 115 of the MMP13 protein (p.Lys115Glu). This variant is not present in population databases (gnomAD no frequency). This variant has not been reported in the literature in individuals affected with MMP13-related conditions. ClinVar contains an entry for this variant (Variation ID: 2218400). Invitae Evidence Modeling of protein sequence and biophysical properties (such as structural, functional, and spatial information, amino acid conservation, physicochemical variation, residue mobility, and thermodynamic stability) indicates that this missense variant is not expected to disrupt MMP13 protein function with a negative predictive value of 80%. In summary, the available evidence is currently insufficient to determine the role of this variant in disease. Therefore, it has been classified as a Variant of Uncertain Significance.

Ambry Genetics
Classification: Uncertain significance. Last evaluated: 2021-08-09. Review status: criteria provided, single submitter. Criteria: Ambry Variant Classification Scheme 2023. Collection method: clinical testing. Allele origin: germline.